The following is an entry in ClinVar:

ClinVar aggregate classification (germline): Likely benign. Review status: criteria provided, single submitter (1 of 4 stars). 2 submissions from 2 submitters: Likely benign (1). 1 of the submissions does not count toward it. Last evaluated 2018-03-19.

Conditions:
MYO1C-related disorder. Also called: MYO1C-related condition.

Allele frequency attached by ClinVar (database versions not stated): gnomAD 0.00002 and 0.00019; TOPMed 0.00006; 1000 Genomes Project 30x 0.00078; 1000 Genomes Project 0.00080; ExAC 0.00227.
gnomAD v4.1: 444 of 1,550,364 alleles (0.029%); highest among the groups gnomAD compares: South Asian, 0.49%; 1 homozygote.

Submissions (2):

GeneDx
Classification: Likely benign. Last evaluated: 2018-03-19. Review status: criteria provided, single submitter. Criteria: GeneDx Variant Classification (06012015). Collection method: clinical testing. Allele origin: germline. Affected: yes.
Comment: This variant is considered likely benign or benign based on one or more of the following criteria: it is a conservative change, it occurs at a poorly conserved position in the protein, it is predicted to be benign by multiple in silico algorithms, and/or has population frequency not consistent with disease.

PreventionGenetics, part of Exact Sciences
Classification: Likely benign for MYO1C-related condition. Last evaluated: 2019-09-17. Review status: no assertion criteria provided. Collection method: clinical testing. Allele origin: germline. Not counted in ClinVar's aggregate classification.
Comment: This variant is classified as likely benign based on ACMG/AMP sequence variant interpretation guidelines (Richards et al. 2015 PMID: 25741868, with internal and published modifications).

NM_001080779.2(MYO1C):c.1575-8A>G

Gene: MYO1C (myosin IC; minus strand). Cytogenetic location: 17p13.3.
Variant type: single nucleotide variant.
Coding change: c.1575-8A>G on transcript NM_001080779.2 (MANE Select); 8 bases into the intron before coding-DNA position 1575, A replaced by G.
Molecular consequence: intron variant.
Genome position (GRCh38, 1-based): chr17:1,475,040, T>C on the plus strand (A>G on the coding strand, the complement: MYO1C is on the minus strand). VCF-style: chr17-1475040-T-C. GRCh37 (hg19) VCF-style: chr17-1378334-T-C.
Other names: c.1470-8A>G (NM_033375.5); c.1518-8A>G (NM_001080950.2); c.1503-8A>G (NM_001363855.1).
Identifiers: ClinVar variation 680324 (VCV000680324.3), dbSNP rs371291004, ClinGen allele CA8267455.